The following is an entry in ClinVar:

ClinVar aggregate classification (germline): Uncertain significance (1 of 4 stars; one submission).

gnomAD v4.1: 2 of 1,614,094 alleles (0.00012%); highest among the groups gnomAD compares: South Asian, 0.0022%; no homozygotes.

Submission:

Labcorp Genetics (formerly Invitae), Labcorp
Classification: Uncertain significance. Last evaluated: 2025-01-06. Review status: criteria provided, single submitter. Criteria: Invitae Variant Classification Sherloc (09022015). Collection method: clinical testing. Allele origin: germline.
Comment: This sequence change falls in intron 4 of the IFT43 gene. It does not directly change the encoded amino acid sequence of the IFT43 protein. This variant is present in population databases (rs760750784, gnomAD 0.003%). This variant has not been reported in the literature in individuals affected with IFT43-related conditions. Algorithms developed to predict the effect of sequence changes on RNA splicing suggest that this variant may create or strengthen a splice site. In summary, the available evidence is currently insufficient to determine the role of this variant in disease. Therefore, it has been classified as a Variant of Uncertain Significance.

NM_001102564.3(IFT43):c.296-5590T>C

Gene: IFT43 (intraflagellar transport 43; plus strand). Cytogenetic location: 14q24.3.
Variant type: single nucleotide variant.
Coding change: c.296-5590T>C on transcript NM_001102564.3 (MANE Select); 5590 bases into the intron before coding-DNA position 296, T replaced by C.
Molecular consequence: intron variant.
Genome position (GRCh38, 1-based): chr14:76,076,705, T>C. VCF-style: chr14-76076705-T-C. GRCh37 (hg19) VCF-style: chr14-76543048-T-C.
Other names: c.310+14T>C (NM_052873.3).
Identifiers: ClinVar variation 3692445 (VCV003692445.2).
Genomic context (GRCh38, chr14:76,076,705, plus strand): 5'-CAAAACGCATCACAGAGATTTGGGGCTGGCTTCATTGGAAGAGGCAGGTAGGCTTTTGAC[T>C]GTCAGTCTACGGGAACTGAAAAGGATCCTTCTGGGACTTTGCTAGGTAATTAGCATTTTA-3'